The following is an entry in ClinVar:

NM_001329943.3(KIAA0586):c.730G>C (p.Glu244Gln)

Gene: KIAA0586 (KIAA0586; plus strand). Cytogenetic location: 14q23.1.
Variant type: single nucleotide variant.
Coding change: c.730G>C on transcript NM_001329943.3 (MANE Select); coding-DNA position 730, G replaced by C.
Protein change: p.Glu244Gln; replaces glutamic acid 244 with glutamine.
Molecular consequence: missense variant.
Genome position (GRCh38, 1-based): chr14:58,444,098, G>C. VCF-style: chr14-58444098-G-C. GRCh37 (hg19) VCF-style: chr14-58910816-G-C.
Other names: p.Glu297Gln; c.889G>C, p.Glu297Gln (NM_001244189.2); c.685G>C, p.Glu229Gln (NM_001244190.2); c.475G>C, p.Glu159Gln (NM_001244191.2, NM_001329945.2, NM_001364700.1 and 1 more transcripts); c.598G>C, p.Glu200Gln (NM_001244192.2); c.310G>C, p.Glu104Gln (NM_001244193.2); c.730G>C, p.Glu244Gln (NM_001329944.2, NM_001329946.2, NM_001329947.2 and 1 more transcripts); c.730G>C (NM_014749.3); short protein forms E229Q, E159Q, E297Q, E104Q, E200Q, E244Q.
Identifiers: ClinVar variation 1375973 (VCV001375973.6), dbSNP rs376338487, ClinGen allele CA7205460.

ClinVar aggregate classification (germline): Uncertain significance. Review status: criteria provided, multiple submitters, no conflicts (2 of 4 stars). 4 submissions from 4 submitters: Uncertain significance (4). Last evaluated 2025-07-24.

Conditions:
Short-rib thoracic dysplasia 14 with polydactyly (SRTD14). Identifiers: Orphanet 397715, MedGen C4225286, MONDO:0014688, OMIM 616546.
Joubert syndrome 23 (JBTS23). Identifiers: Orphanet 475, MedGen C4084822, MONDO:0014664, OMIM 616490.
Inborn genetic diseases. Identifiers: MedGen C0950123, MeSH D030342.

Allele frequency attached by ClinVar (database versions not stated): gnomAD 0.00018; TOPMed 0.00026; ESP Exome Variant Server 0.00033.

Submissions (4):

Mayo Clinic Laboratories, Mayo Clinic
Classification: Uncertain significance. Last evaluated: 2025-07-24. Review status: criteria provided, single submitter. Criteria: ACMG Guidelines, 2015. Collection method: clinical testing. Allele origin: germline. Observed: 1 variant allele.
Comment: BP4_moderate

Blueprint Genetics
Classification: Uncertain significance. Last evaluated: 2024-11-06. Review status: criteria provided, single submitter. Criteria: ACMG Guidelines, 2015. Collection method: clinical testing. Allele origin: germline.

Labcorp Genetics (formerly Invitae), Labcorp
Classification: Uncertain significance for Joubert syndrome 23; Short-rib thoracic dysplasia 14 with polydactyly. Last evaluated: 2022-09-10. Review status: criteria provided, single submitter. Criteria: Invitae Variant Classification Sherloc (09022015). Collection method: clinical testing. Allele origin: germline.
Comment: This sequence change replaces glutamic acid, which is acidic and polar, with glutamine, which is neutral and polar, at codon 297 of the KIAA0586 protein (p.Glu297Gln). This variant is present in population databases (rs376338487, gnomAD 0.07%). This variant has not been reported in the literature in individuals affected with KIAA0586-related conditions. ClinVar contains an entry for this variant (Variation ID: 1375973). Advanced modeling of protein sequence and biophysical properties (such as structural, functional, and spatial information, amino acid conservation, physicochemical variation, residue mobility, and thermodynamic stability) has been performed at Invitae for this missense variant, however the output from this modeling did not meet the statistical confidence thresholds required to predict the impact of this variant on KIAA0586 protein function. In summary, the available evidence is currently insufficient to determine the role of this variant in disease. Therefore, it has been classified as a Variant of Uncertain Significance.

Ambry Genetics
Classification: Uncertain significance for Inborn genetic diseases. Last evaluated: 2021-12-14. Review status: criteria provided, single submitter. Criteria: Ambry Variant Classification Scheme 2023. Collection method: clinical testing. Allele origin: germline.